The following is an entry in ClinVar:

ClinVar aggregate classification (germline): Likely benign (1 of 4 stars; one submission).

Conditions:
SCAPER-related disorder. Also called: SCAPER-related condition.

gnomAD v4.1: 12 of 1,613,470 alleles (0.00074%); highest among the groups gnomAD compares: Non-Finnish European, 0.00093%; no homozygotes.

Submission:

PreventionGenetics, part of Exact Sciences
Classification: Likely benign for SCAPER-related condition. Last evaluated: 2025-01-11. Review status: criteria provided, single submitter. Criteria: ACMG Guidelines, 2015. Collection method: clinical testing. Allele origin: germline.
Comment: This variant is classified as likely benign based on ACMG/AMP sequence variant interpretation guidelines (Richards et al. 2015 PMID: 25741868, with internal and published modifications).

NM_020843.4(SCAPER):c.2157A>G (p.Glu719=)

Gene: SCAPER (S-phase cyclin A associated protein in the ER; minus strand). Cytogenetic location: 15q24.3.
Variant type: single nucleotide variant.
Coding change: c.2157A>G on transcript NM_020843.4 (MANE Select); coding-DNA position 2157, A replaced by G.
Protein change: p.Glu719=; no amino-acid change (glutamic acid 719 retained).
Molecular consequence: synonymous variant. On other transcripts: non-coding transcript variant (1).
Genome position (GRCh38, 1-based): chr15:76,728,603, T>C on the plus strand (A>G on the coding strand, the complement: SCAPER is on the minus strand). VCF-style: chr15-76728603-T-C. GRCh37 (hg19) VCF-style: chr15-77020944-T-C.
Other names: c.1419A>G, p.Glu473= (NM_001145923.2); c.2175A>G, p.Glu725= (NM_001353009.2); c.1755A>G, p.Glu585= (NM_001353010.2, NM_001353012.2); c.1773A>G, p.Glu591= (NM_001353011.2).
Identifiers: ClinVar variation 4977848 (VCV004977848.1).